The following is an entry in ClinVar:

ClinVar aggregate classification (germline): Pathogenic/Likely pathogenic. Review status: criteria provided, multiple submitters, no conflicts (2 of 4 stars). 2 submissions from 2 submitters: Pathogenic (1); Likely pathogenic (1). Last evaluated 2025-06-09.

Conditions:
Familial dysautonomia. Also called: HSAN III; FD. Identifiers: Orphanet 1764, MedGen C0013364, MONDO:0009131, OMIM 223900. Disease mechanism: loss of function.

Allele frequency attached by ClinVar (database versions not stated): gnomAD exomes below 0.00001; gnomAD 0.00001; TOPMed 0.00002.

Submissions (2):

Natera, Inc.
Classification: Likely pathogenic for Familial dysautonomia. Last evaluated: 2025-06-09. Review status: criteria provided, single submitter. Criteria: Natera Variant Classification Schema (03/2026). Collection method: clinical testing. Allele origin: germline.
Comment: The c.1052_1055dupGGGA variant in ELP1 is a frameshift variant predicted to shift the reading frame beginning at codon 352 and leads to a stop codon 22 codons downstream. This variant is expected to result in nonsense mediated decay, truncation, or a dysfunctional protein product. This variant is rare in the general population with a frequency below the threshold expected for the associated phenotype(s). Given the available evidence, this variant is classified as Likely Pathogenic.

Labcorp Genetics (formerly Invitae), Labcorp
Classification: Pathogenic. Last evaluated: 2023-11-24. Review status: criteria provided, single submitter. Criteria: Invitae Variant Classification Sherloc (09022015). Collection method: clinical testing. Allele origin: germline.
Comment: This sequence change creates a premature translational stop signal (p.Asp352Glufs*22) in the ELP1 gene. It is expected to result in an absent or disrupted protein product. Loss-of-function variants in ELP1 are known to be pathogenic (PMID: 18303054, 24173031). This variant is present in population databases (no rsID available, gnomAD 0.003%). This variant has not been reported in the literature in individuals affected with ELP1-related conditions. ClinVar contains an entry for this variant (Variation ID: 1983006). For these reasons, this variant has been classified as Pathogenic.

Literature cited by the submitters: PubMed 18303054 (cited by Labcorp Genetics (formerly Invitae), Labcorp); PubMed 24173031 (cited by Labcorp Genetics (formerly Invitae), Labcorp).

NM_003640.5(ELP1):c.1052_1055dup (p.Asp352fs)

Gene: ELP1 (elongator acetyltransferase complex subunit 1; minus strand). Cytogenetic location: 9q31.3.
Variant type: Duplication.
Coding change: c.1052_1055dup on transcript NM_003640.5 (MANE Select); coding-DNA positions 1052 to 1055, 4 bases duplicated (GGGA; older notation c.1052_1055dupGGGA).
Protein change: p.Asp352fs; shifts the reading frame from aspartic acid 352.
Molecular consequence: frameshift variant.
Genome position (GRCh38, 1-based): chr9:108,912,398-108,912,401, TCCC duplicated on the plus strand (GGGA on the coding strand, the reverse complement: ELP1 is on the minus strand). VCF-style (leftmost placement, unchanged base first): chr9-108912397-G-GTCCC. GRCh37 (hg19) VCF-style: chr9-111674677-G-GTCCC.
Other names: c.710_713dup, p.Asp238fs (NM_001318360.2); c.5_8dup, p.Asp3fs (NM_001330749.2); c.1052_1055dupGGGA (NM_003640.4); short protein forms D3fs, D352fs, D238fs.
Identifiers: ClinVar variation 1983006 (VCV001983006.5), dbSNP rs1564096502, ClinGen allele CA590043464.
Genomic context (GRCh38, chr9:108,912,397, plus strand): 5'-ATCATAGGCGAGGTAATGCCAGCCCTGACAGAGAACATGCAGCCGGTATGGGGTCACAGG[G>GTCCC]TCCCACATCAGAGACACAATCTTGCTCTTCCCACAGGTGCTGAAGGATAAACTTTGCTTG-3'